The following is an entry in ClinVar:

NM_016507.4(CDK12):c.3972A>T (p.Arg1324Ser)

Gene: CDK12 (cyclin dependent kinase 12; plus strand). Cytogenetic location: 17q12.
Variant type: single nucleotide variant.
Coding change: c.3972A>T on transcript NM_016507.4 (MANE Select); coding-DNA position 3972, A replaced by T.
Protein change: p.Arg1324Ser; replaces arginine 1324 with serine.
Molecular consequence: missense variant.
Genome position (GRCh38, 1-based): chr17:39,530,815, A>T. VCF-style: chr17-39530815-A-T. GRCh37 (hg19) VCF-style: chr17-37687068-A-T.
Other names: c.3945A>T, p.Arg1315Ser (NM_015083.4); short protein forms R1315S, R1324S.
Identifiers: ClinVar variation 4224208 (VCV004224208.1).
Genomic context (GRCh38, chr17:39,530,815, plus strand): 5'-TTTATCCCAGCCTGAAGCAGAGCCTCCTGGCCACCTGCCACATGAGCACCAGGCCTTGAG[A>T]CCAATGGAGTACTCCACCCGACCCCGTCCAAACAGGACTTATGGAAACACTGATGGGCCT-3'
Protein context (NP_057591.2, residues 1314-1334): GHLPHEHQAL[Arg1324Ser]PMEYSTRPRP

ClinVar aggregate classification (germline): Uncertain significance (1 of 4 stars; one submission).

Submission:

Ambry Genetics
Classification: Uncertain significance. Last evaluated: 2025-06-21. Review status: criteria provided, single submitter. Criteria: Ambry Variant Classification Scheme 2023. Collection method: clinical testing. Allele origin: germline.
Comment: The p.R1324S variant (also known as c.3972A>T), located in coding exon 14 of the CDK12 gene, results from an A to T substitution at nucleotide position 3972. The arginine at codon 1324 is replaced by serine, an amino acid with dissimilar properties. This amino acid position is conserved. In addition, the in silico prediction for this alteration is inconclusive. Based on the available evidence, the clinical significance of this variant remains unclear.